The following is an entry in ClinVar:

ClinVar aggregate classification (germline): Likely benign. Review status: criteria provided, single submitter (1 of 4 stars). 2 submissions from 2 submitters: Likely benign (1). 1 of the submissions does not count toward it. Last evaluated 2025-04-01.

Conditions:
TMPRSS2-related disorder. Also called: TMPRSS2-related condition.

Allele frequency attached by ClinVar (database versions not stated): 1000 Genomes Project 0.00080; 1000 Genomes Project 30x 0.00109; ExAC 0.00227; gnomAD exomes 0.00250; TOPMed 0.00311; gnomAD 0.00321 and 0.00327; ESP Exome Variant Server 0.00331.
gnomAD v4.1: 8,096 of 1,614,000 alleles (0.5%); highest among the groups gnomAD compares: Non-Finnish European, 0.65%; 19 homozygotes.

Submissions (20):

CeGaT Center for Human Genetics Tuebingen
Classification: Likely benign. Last evaluated: 2025-04-01. Review status: criteria provided, single submitter. Criteria: CeGaT Center For Human Genetics Tuebingen Variant Classification Criteria Version 2. Collection method: clinical testing. Allele origin: germline. Affected: yes. Observed: 2 variant alleles.
Comment: MX1: BS2; TMPRSS2: BS2

PreventionGenetics, part of Exact Sciences
Classification: Likely benign for TMPRSS2-related condition. Last evaluated: 2022-04-22. Review status: no assertion criteria provided. Collection method: clinical testing. Allele origin: germline. Not counted in ClinVar's aggregate classification.
Comment: This variant is classified as likely benign based on ACMG/AMP sequence variant interpretation guidelines (Richards et al. 2015 PMID: 25741868, with internal and published modifications).

Dr. Peter K. Rogan Lab, Western University
No classification provided (evidence only). Condition: Lung cancer. Review status: no classification provided. Collection method: in vitro. Allele origin: not applicable. Functional consequence: skipped exon, retained intron. Not counted in ClinVar's aggregate classification.

Dr. Peter K. Rogan Lab, Western University
No classification provided (evidence only). Condition: Lung cancer. Review status: no classification provided. Collection method: in vitro. Allele origin: not applicable. Functional consequence: skipped exon, retained intron. Not counted in ClinVar's aggregate classification.

Dr. Peter K. Rogan Lab, Western University
No classification provided (evidence only). Condition: Lung cancer. Review status: no classification provided. Collection method: in vitro. Allele origin: not applicable. Functional consequence: skipped exon, retained intron. Not counted in ClinVar's aggregate classification.

Dr. Peter K. Rogan Lab, Western University
No classification provided (evidence only). Condition: Lung cancer. Review status: no classification provided. Collection method: in vitro. Allele origin: not applicable. Functional consequence: skipped exon, retained intron. Not counted in ClinVar's aggregate classification.

Dr. Peter K. Rogan Lab, Western University
No classification provided (evidence only). Condition: Familial cancer of breast. Review status: no classification provided. Collection method: in vitro. Allele origin: not applicable. Functional consequence: skipped exon. Not counted in ClinVar's aggregate classification.

Dr. Peter K. Rogan Lab, Western University
No classification provided (evidence only). Condition: Familial cancer of breast. Review status: no classification provided. Collection method: in vitro. Allele origin: not applicable. Functional consequence: skipped exon, retained intron. Not counted in ClinVar's aggregate classification.

Dr. Peter K. Rogan Lab, Western University
No classification provided (evidence only). Condition: Familial cancer of breast. Review status: no classification provided. Collection method: in vitro. Allele origin: not applicable. Functional consequence: skipped exon, retained intron. Not counted in ClinVar's aggregate classification.

Dr. Peter K. Rogan Lab, Western University
No classification provided (evidence only). Condition: Familial cancer of breast. Review status: no classification provided. Collection method: in vitro. Allele origin: not applicable. Functional consequence: skipped exon. Not counted in ClinVar's aggregate classification.

Dr. Peter K. Rogan Lab, Western University
No classification provided (evidence only). Condition: Colon adenocarcinoma. Review status: no classification provided. Collection method: in vitro. Allele origin: not applicable. Functional consequence: skipped exon, retained intron. Not counted in ClinVar's aggregate classification.

Dr. Peter K. Rogan Lab, Western University
No classification provided (evidence only). Condition: Thyroid cancer, nonmedullary, 1. Review status: no classification provided. Collection method: in vitro. Allele origin: not applicable. Functional consequence: skipped exon, retained intron. Not counted in ClinVar's aggregate classification.

Dr. Peter K. Rogan Lab, Western University
No classification provided (evidence only). Condition: Uterine corpus endometrial carcinoma. Review status: no classification provided. Collection method: in vitro. Allele origin: not applicable. Functional consequence: skipped exon. Not counted in ClinVar's aggregate classification.

Dr. Peter K. Rogan Lab, Western University
No classification provided (evidence only). Condition: Cervical cancer. Review status: no classification provided. Collection method: in vitro. Allele origin: not applicable. Functional consequence: skipped exon, retained intron. Not counted in ClinVar's aggregate classification.

Dr. Peter K. Rogan Lab, Western University
No classification provided (evidence only). Condition: Cervical cancer. Review status: no classification provided. Collection method: in vitro. Allele origin: not applicable. Functional consequence: skipped exon, retained intron. Not counted in ClinVar's aggregate classification.

Dr. Peter K. Rogan Lab, Western University
No classification provided (evidence only). Condition: Cervical cancer. Review status: no classification provided. Collection method: in vitro. Allele origin: not applicable. Functional consequence: retained intron. Not counted in ClinVar's aggregate classification.

Dr. Peter K. Rogan Lab, Western University
No classification provided (evidence only). Condition: Nonpapillary renal cell carcinoma. Review status: no classification provided. Collection method: in vitro. Allele origin: not applicable. Functional consequence: retained intron. Not counted in ClinVar's aggregate classification.

Dr. Peter K. Rogan Lab, Western University
No classification provided (evidence only). Condition: Gastric cancer. Review status: no classification provided. Collection method: in vitro. Allele origin: not applicable. Functional consequence: retained intron. Not counted in ClinVar's aggregate classification.

Dr. Peter K. Rogan Lab, Western University
No classification provided (evidence only). Condition: Gastric cancer. Review status: no classification provided. Collection method: in vitro. Allele origin: not applicable. Functional consequence: retained intron. Not counted in ClinVar's aggregate classification.

Dr. Peter K. Rogan Lab, Western University
No classification provided (evidence only). Condition: Malignant tumor of esophagus. Review status: no classification provided. Collection method: in vitro. Allele origin: not applicable. Functional consequence: skipped exon, retained intron. Not counted in ClinVar's aggregate classification.

NM_005656.4(TMPRSS2):c.1467G>A (p.Arg489=)

Genes: MX1 (MX dynamin like GTPase 1; plus strand), TMPRSS2 (transmembrane serine protease 2; minus strand). Cytogenetic location: 21q22.3.
Variant type: single nucleotide variant.
Coding change: c.1467G>A on transcript NM_005656.4 (MANE Select); coding-DNA position 1467, G replaced by A.
Protein change: p.Arg489=; no amino-acid change (arginine 489 retained).
Molecular consequence: synonymous variant.
Genome position (GRCh38, 1-based): chr21:41,467,734, C>T on the plus strand (G>A on the coding strand, the complement: TMPRSS2 is on the minus strand). VCF-style: chr21-41467734-C-T. GRCh37 (hg19) VCF-style: chr21-42839661-C-T.
Other names: NC_000021.8:g.42839661C>T; c.1578G>A, p.Arg526= (NM_001135099.1); c.1467G>A, p.Arg489= (LRG_1368t1).
Identifiers: ClinVar variation 425275 (VCV000425275.45), dbSNP rs142750000, ClinGen allele CA10034324.